The following is an entry in ClinVar:

ClinVar aggregate classification (germline): Uncertain significance (1 of 4 stars; one submission).

Allele frequency attached by ClinVar (database versions not stated): gnomAD exomes below 0.00001; ExAC 0.00001.
gnomAD v4.1: 2 of 1,614,094 alleles (0.00012%); highest among the groups gnomAD compares: East Asian, 0.0022%; no homozygotes.

Submission:

Labcorp Genetics (formerly Invitae), Labcorp
Classification: Uncertain significance. Last evaluated: 2022-09-12. Review status: criteria provided, single submitter. Criteria: Invitae Variant Classification Sherloc (09022015). Collection method: clinical testing. Allele origin: germline.
Comment: In summary, the available evidence is currently insufficient to determine the role of this variant in disease. Therefore, it has been classified as a Variant of Uncertain Significance. Advanced modeling of protein sequence and biophysical properties (such as structural, functional, and spatial information, amino acid conservation, physicochemical variation, residue mobility, and thermodynamic stability) performed at Invitae indicates that this missense variant is not expected to disrupt CDHR1 protein function. ClinVar contains an entry for this variant (Variation ID: 954434). This variant has not been reported in the literature in individuals affected with CDHR1-related conditions. This variant is present in population databases (rs762458527, gnomAD 0.006%). This sequence change replaces alanine, which is neutral and non-polar, with threonine, which is neutral and polar, at codon 722 of the CDHR1 protein (p.Ala722Thr).

NM_033100.4(CDHR1):c.2164G>A (p.Ala722Thr)

Gene: CDHR1 (cadherin related family member 1; plus strand). Cytogenetic location: 10q23.1.
Variant type: single nucleotide variant.
Coding change: c.2164G>A on transcript NM_033100.4 (MANE Select); coding-DNA position 2164, G replaced by A.
Protein change: p.Ala722Thr; replaces alanine 722 with threonine.
Molecular consequence: missense variant. On other transcripts: intron variant (1).
Genome position (GRCh38, 1-based): chr10:84,214,205, G>A. VCF-style: chr10-84214205-G-A. GRCh37 (hg19) VCF-style: chr10-85973961-G-A.
Other names: c.2040+857G>A (NM_001171971.3); short protein forms A722T.
Identifiers: ClinVar variation 954434 (VCV000954434.9), dbSNP rs762458527, ClinGen allele CA5580158.